The following is an entry in ClinVar:

ClinVar aggregate classification (germline): Uncertain significance (1 of 4 stars; one submission).

gnomAD v4.1: 14 of 1,614,204 alleles (0.00087%); highest among the groups gnomAD compares: Non-Finnish European, 0.0011%; no homozygotes.

Submission:

Labcorp Genetics (formerly Invitae), Labcorp
Classification: Uncertain significance. Last evaluated: 2024-05-23. Review status: criteria provided, single submitter. Criteria: Invitae Variant Classification Sherloc (09022015). Collection method: clinical testing. Allele origin: germline.
Comment: This sequence change replaces aspartic acid, which is acidic and polar, with tyrosine, which is neutral and polar, at codon 44 of the CASQ1 protein (p.Asp44Tyr). This variant is present in population databases (rs140253806, gnomAD 0.0009%). This variant has not been reported in the literature in individuals affected with CASQ1-related conditions. An algorithm developed to predict the effect of missense changes on protein structure and function (PolyPhen-2) suggests that this variant is likely to be disruptive. In summary, the available evidence is currently insufficient to determine the role of this variant in disease. Therefore, it has been classified as a Variant of Uncertain Significance.

NM_001231.5(CASQ1):c.130G>T (p.Asp44Tyr)

Gene: CASQ1 (calsequestrin 1; plus strand). Cytogenetic location: 1q23.2.
Variant type: single nucleotide variant.
Coding change: c.130G>T on transcript NM_001231.5 (MANE Select); coding-DNA position 130, G replaced by T.
Protein change: p.Asp44Tyr; replaces aspartic acid 44 with tyrosine.
Molecular consequence: missense variant.
Genome position (GRCh38, 1-based): chr1:160,190,881, G>T. VCF-style: chr1-160190881-G-T. GRCh37 (hg19) VCF-style: chr1-160160671-G-T.
Other names: short protein forms D44Y.
Identifiers: ClinVar variation 3623061 (VCV003623061.2).